The following is an entry in ClinVar:

NM_020631.6(PLEKHG5):c.928G>A (p.Asp310Asn)

Gene: PLEKHG5 (pleckstrin homology and RhoGEF domain containing G5; minus strand). Cytogenetic location: 1p36.31.
Variant type: single nucleotide variant.
Coding change: c.928G>A on transcript NM_020631.6 (MANE Select); coding-DNA position 928, G replaced by A.
Protein change: p.Asp310Asn; replaces aspartic acid 310 with asparagine.
Molecular consequence: missense variant.
Genome position (GRCh38, 1-based): chr1:6,473,042, C>T on the plus strand (G>A on the coding strand, the complement: PLEKHG5 is on the minus strand). VCF-style: chr1-6473042-C-T. GRCh37 (hg19) VCF-style: chr1-6533102-C-T.
Other names: p.Asp310Asn; c.1039G>A, p.Asp347Asn (NM_001042663.3, NM_001265592.2); c.928G>A, p.Asp310Asn (NM_001042664.2, NM_001042665.2, NM_001265594.3 and 1 more transcripts); c.1135G>A, p.Asp379Asn (NM_001265593.2); c.928G>A (NM_020631.5); short protein forms D310N, D379N, D387N, D347N.
Identifiers: ClinVar variation 297961 (VCV000297961.105), dbSNP rs61730399, ClinGen allele CA561707.

ClinVar aggregate classification (germline): Benign/Likely benign. Review status: criteria provided, multiple submitters, no conflicts (2 of 4 stars). 10 submissions from 10 submitters: Benign (1); Likely benign (8). 1 of the submissions does not count toward it. Last evaluated 2026-07-01.

Conditions:
Inborn genetic diseases. Identifiers: MedGen C0950123, MeSH D030342.
Charcot-Marie-Tooth disease recessive intermediate C. Also called: CHARCOT-MARIE-TOOTH NEUROPATHY, RECESSIVE INTERMEDIATE C. Identifiers: Orphanet 369867, MedGen C3809309, MONDO:0014154, OMIM 615376.
Neuronopathy, distal hereditary motor, autosomal recessive 4. Also called: NEUROPATHY, DISTAL HEREDITARY MOTOR, AUTOSOMAL RECESSIVE 4; Autosomal recessive lower motor neuron disease with childhood onset. Identifiers: Orphanet 206580, MedGen C1970211, MONDO:0012608, OMIM 611067.
PLEKHG5-related disorder. Also called: PLEKHG5-related condition.

Allele frequency attached by ClinVar (database versions not stated): 1000 Genomes Project 0.00060; 1000 Genomes Project 30x 0.00109; gnomAD 0.00236 and 0.00247; TOPMed 0.00237; ESP Exome Variant Server 0.00246; gnomAD exomes 0.00257 and 0.00289; ExAC 0.00262.

Submissions (10):

CeGaT Center for Human Genetics Tuebingen
Classification: Likely benign. Last evaluated: 2026-07-01. Review status: criteria provided, single submitter. Criteria: CeGaT Center For Human Genetics Tuebingen Variant Classification Criteria Version 2. Collection method: clinical testing. Allele origin: germline. Affected: yes. Observed: 6 variant alleles.
Comment: PLEKHG5: BP4, BS2

Labcorp Genetics (formerly Invitae), Labcorp
Classification: Likely benign for Neuronopathy, distal hereditary motor, autosomal recessive 4; Charcot-Marie-Tooth disease recessive intermediate C. Last evaluated: 2026-01-29. Review status: criteria provided, single submitter. Criteria: Invitae Variant Classification Sherloc (09022015). Collection method: clinical testing. Allele origin: germline.

ARUP Laboratories, Molecular Genetics and Genomics, ARUP Laboratories
Classification: Likely benign. Last evaluated: 2025-07-17. Review status: criteria provided, single submitter. Criteria: ARUP Molecular Germline Variant Investigation Process 2024. Collection method: clinical testing. Allele origin: germline.

Blueprint Genetics
Classification: Likely benign. Last evaluated: 2024-11-18. Review status: criteria provided, single submitter. Criteria: ACMG Guidelines, 2015. Collection method: clinical testing. Allele origin: germline.

Mayo Clinic Laboratories, Mayo Clinic
Classification: Benign. Last evaluated: 2024-08-23. Review status: criteria provided, single submitter. Criteria: ACMG Guidelines, 2015. Collection method: clinical testing. Allele origin: germline. Observed: 13 variant alleles.
Comment: BS1, BS2, BP4

Women's Health and Genetics/Laboratory Corporation of America, LabCorp
Classification: Likely benign. Last evaluated: 2024-05-15. Review status: criteria provided, single submitter. Criteria: LabCorp Variant Classification Summary - May 2015. Collection method: clinical testing. Allele origin: germline.
Comment: Variant summary: PLEKHG5 c.928G>A (p.Asp310Asn) results in a conservative amino acid change in the encoded protein sequence. Two of four in-silico tools predict a benign effect of the variant on protein function. The variant allele was found at a frequency of 0.0026 in 250440 control chromosomes in the gnomAD database, including 1 homozygote. The observed variant frequency is approximately 2.3 fold of the estimated maximal expected allele frequency for a pathogenic variant in PLEKHG5 causing Distal Spinal Muscular Atrophy, Autosomal Recessive 4 phenotype (0.0011), strongly suggesting that the variant is benign. c.928G>A has been reported in the literature in an individual affected with Charcot-Marie-Tooth disease without evidence of causality (Cortese_2020). This report does not provide unequivocal conclusions about association of the variant with Distal Spinal Muscular Atrophy, Autosomal Recessive 4. To our knowledge, no experimental evidence demonstrating an impact on protein function has been reported. The following publication has been ascertained in the context of this evaluation (PMID: 31827005). ClinVar contains an entry for this variant (Variation ID: 297961). Based on the evidence outlined above, the variant was classified as likely benign.

GeneDx
Classification: Likely benign. Last evaluated: 2021-09-20. Review status: criteria provided, single submitter. Criteria: GeneDx Variant Classification Process June 2021. Collection method: clinical testing. Allele origin: germline. Affected: yes.

Ambry Genetics
Classification: Likely benign for Inborn genetic diseases. Last evaluated: 2020-06-11. Review status: criteria provided, single submitter. Criteria: Ambry Variant Classification Scheme 2023. Collection method: clinical testing. Allele origin: germline.

Illumina Laboratory Services, Illumina
Classification: Likely benign for Neuronopathy, distal hereditary motor, autosomal recessive 4. Last evaluated: 2018-01-13. Review status: criteria provided, single submitter. Criteria: ICSL Variant Classification Criteria 13 December 2019. Collection method: clinical testing. Allele origin: germline.
Comment: This variant was observed in the ICSL laboratory as part of a predisposition screen in an ostensibly healthy population. It had not been previously curated by ICSL or reported in the Human Gene Mutation Database (HGMD: prior to June 1st, 2018), and was therefore a candidate for classification through an automated scoring system. Utilizing variant allele frequency, disease prevalence and penetrance estimates, and inheritance mode, an automated score was calculated to assess if this variant is too frequent to cause the disease. Based on the score and internal cut-off values, a variant classified as likely benign is not then subjected to further curation. The score for this variant resulted in a classification of likely benign for this disease.

PreventionGenetics, part of Exact Sciences
Classification: Likely benign for PLEKHG5-related condition. Last evaluated: 2019-09-26. Review status: no assertion criteria provided. Collection method: clinical testing. Allele origin: germline. Not counted in ClinVar's aggregate classification.
Comment: This variant is classified as likely benign based on ACMG/AMP sequence variant interpretation guidelines (Richards et al. 2015 PMID: 25741868, with internal and published modifications).

Literature cited by the submitters: PubMed 31827005 (cited by Women's Health and Genetics/Laboratory Corporation of America, LabCorp).